The following is an entry in ClinVar:

ClinVar aggregate classification (germline): Likely benign. Review status: criteria provided, multiple submitters, no conflicts (2 of 4 stars). 4 submissions from 4 submitters: Likely benign (3). 1 of the submissions does not count toward it. Last evaluated 2025-05-19.

Conditions:
ADGRV1-related disorder. Also called: ADGRV1-related disorders; ADGRV1-related condition.

Allele frequency attached by ClinVar (database versions not stated): 1000 Genomes Project 30x 0.00031; 1000 Genomes Project 0.00040.
gnomAD v4.1: 102 of 1,611,200 alleles (0.0063%); highest among the groups gnomAD compares: African/African-American, 0.11%; no homozygotes.

Submissions (4):

Labcorp Genetics (formerly Invitae), Labcorp
Classification: Likely benign. Last evaluated: 2025-05-19. Review status: criteria provided, single submitter. Criteria: Invitae Variant Classification Sherloc (09022015). Collection method: clinical testing. Allele origin: germline.

Blueprint Genetics
Classification: Likely benign. Last evaluated: 2024-06-27. Review status: criteria provided, single submitter. Criteria: ACMG Guidelines, 2015. Collection method: clinical testing. Allele origin: germline.

Breakthrough Genomics
Classification: Likely benign. Review status: criteria provided, single submitter. Criteria: ACMG Guidelines, 2015. Collection method: not provided. Allele origin: germline. Inheritance: Autosomal recessive inheritance. Affected: yes.

PreventionGenetics, part of Exact Sciences
Classification: Likely benign for ADGRV1-related condition. Last evaluated: 2019-07-30. Review status: no assertion criteria provided. Collection method: clinical testing. Allele origin: germline. Not counted in ClinVar's aggregate classification.
Comment: This variant is classified as likely benign based on ACMG/AMP sequence variant interpretation guidelines (Richards et al. 2015 PMID: 25741868, with internal and published modifications).

NM_032119.4(ADGRV1):c.11115A>G (p.Ser3705=)

Gene: ADGRV1 (adhesion G protein-coupled receptor V1; plus strand). Cytogenetic location: 5q14.3.
Variant type: single nucleotide variant.
Coding change: c.11115A>G on transcript NM_032119.4 (MANE Select); coding-DNA position 11115, A replaced by G.
Protein change: p.Ser3705=; no amino-acid change (serine 3705 retained).
Molecular consequence: synonymous variant. On other transcripts: non-coding transcript variant (1).
Genome position (GRCh38, 1-based): chr5:90,750,691, A>G. VCF-style: chr5-90750691-A-G. GRCh37 (hg19) VCF-style: chr5-90046508-A-G.
Other names: c.11115A>G (NM_032119.3).
Identifiers: ClinVar variation 1085097 (VCV001085097.13), dbSNP rs138029547, ClinGen allele CA3340898.
Genomic context (GRCh38, chr5:90,750,691, plus strand): 5'-TGGCCGTATAACCATAGCATGGGAAGCTGATGGAAGTATTAGTGATATATTTCCTACCTC[A>G]GGAGTGGTATGTAATTTACAAAGTTATAGGAAACACTTTTAAATTATGGTTACTAGTGAT-3'
Protein context (NP_115495.3, residues 3695-3715): DGSISDIFPT[Ser3705=]GVILFTEGQV